The following is an entry in ClinVar:

ClinVar aggregate classification (germline): Likely benign (1 of 4 stars; one submission).

Submission:

CeGaT Center for Human Genetics Tuebingen
Classification: Likely benign. Last evaluated: 2024-04-01. Review status: criteria provided, single submitter. Criteria: CeGaT Center For Human Genetics Tuebingen Variant Classification Criteria Version 2. Collection method: clinical testing. Allele origin: germline. Affected: yes. Observed: 1 variant allele.
Comment: KMT2D: BP4, BP7

NM_003482.4(KMT2D):c.1872A>T (p.Ser624=)

Gene: KMT2D (lysine methyltransferase 2D; minus strand). Cytogenetic location: 12q13.12.
Variant type: single nucleotide variant.
Coding change: c.1872A>T on transcript NM_003482.4 (MANE Select); coding-DNA position 1872, A replaced by T.
Protein change: p.Ser624=; no amino-acid change (serine 624 retained).
Molecular consequence: synonymous variant.
Genome position (GRCh38, 1-based): chr12:49,051,811, T>A on the plus strand (A>T on the coding strand, the complement: KMT2D is on the minus strand). VCF-style: chr12-49051811-T-A. GRCh37 (hg19) VCF-style: chr12-49445594-T-A.
Identifiers: ClinVar variation 3234267 (VCV003234267.20), dbSNP rs1938061175, ClinGen allele CA479714578.